The following is an entry in ClinVar:

ClinVar aggregate classification (germline): Uncertain significance (1 of 4 stars; one submission).

Submission:

Women's Health and Genetics/Laboratory Corporation of America, LabCorp
Classification: Uncertain significance. Last evaluated: 2023-03-06. Review status: criteria provided, single submitter. Criteria: LabCorp Variant Classification Summary - May 2015. Collection method: clinical testing. Allele origin: germline.
Comment: Variant summary: The variant identified by MLPA or other technology involves the deletion of exons 22-23 in the MEGF10 gene. A presumed nomenclature of c.(2728+1_2729-1)_(2980+1_2981-1)del has been designated for the purposes of this classification. Although exact breakpoints of this deletion are not known, it is expected to result in a large in-frame deletion in the MEGF10 gene, a potential mechanism of disease. The variant was absent in 21694 control chromosomes (gnomAD database, Structural Variants dataset). To our knowledge, no occurrence of c.(2728+1_2729-1)_(2980+1_2981-1)del in individuals affected with MEGF10-Related Myopathy and no experimental evidence demonstrating its impact on protein function have been reported. One submitter has provided a clinical-significance assessment for this variant to ClinVar after 2014, and classified the variant as uncertain significance. Based on the evidence outlined above, the variant was classified as uncertain significance.

NC_000005.9:g.(126781386_126783248)_(126784915_126790257)del

Gene: MEGF10 (multiple EGF like domains 10; plus strand). Cytogenetic location: 5q23.2.
Variant type: Deletion.
Identifiers: ClinVar variation 2501270 (VCV002501270.1).